The following is an entry in ClinVar:

NM_001289125.3(IFNAR2):c.395-1G>A

Genes: IFNAR2 (interferon alpha and beta receptor subunit 2; plus strand), IFNAR2-IL10RB (IFNAR2-IL10RB readthrough; plus strand). Cytogenetic location: 21q22.11.
Variant type: single nucleotide variant.
Coding change: c.395-1G>A on transcript NM_001289125.3 (MANE Select); the canonical splice acceptor site of the intron before coding-DNA position 395, G replaced by A.
Molecular consequence: splice acceptor variant.
Genome position (GRCh38, 1-based): chr21:33,248,708, G>A. VCF-style: chr21-33248708-G-A. GRCh37 (hg19) VCF-style: chr21-34621013-G-A.
Other names: c.395-1G>A (NM_001414505.1, NM_000874.5, NM_001289128.2 and 5 more transcripts).
Identifiers: ClinVar variation 2184999 (VCV002184999.5), dbSNP rs903202071, ClinGen allele CA320120529.

ClinVar aggregate classification (germline): Conflicting classifications of pathogenicity. Review status: criteria provided, conflicting classifications (1 of 4 stars). 2 submissions from 2 submitters: Likely pathogenic (1); Uncertain significance (1). Last evaluated 2024-08-20.

Allele frequency attached by ClinVar (database versions not stated): gnomAD 0.00001; TOPMed 0.00002.
gnomAD v4.1: 32 of 1,599,110 alleles (0.002%); highest among the groups gnomAD compares: Non-Finnish European, 0.0026%; no homozygotes.

Submissions (2):

Labcorp Genetics (formerly Invitae), Labcorp
Classification: Likely pathogenic. Last evaluated: 2024-08-20. Review status: criteria provided, single submitter. Criteria: Invitae Variant Classification Sherloc (09022015). Collection method: clinical testing. Allele origin: germline.
Comment: This sequence change affects an acceptor splice site in intron 5 of the IFNAR2 gene. It is expected to disrupt RNA splicing. Variants that disrupt the donor or acceptor splice site typically lead to a loss of protein function (PMID: 16199547), and loss-of-function variants in IFNAR2 are known to be pathogenic (PMID: 26424569, 33193576). This variant is present in population databases (no rsID available, gnomAD 0.007%). This variant has not been reported in the literature in individuals affected with IFNAR2-related conditions. ClinVar contains an entry for this variant (Variation ID: 2184999). Algorithms developed to predict the effect of sequence changes on RNA splicing suggest that this variant may disrupt the consensus splice site. In summary, the currently available evidence indicates that the variant is pathogenic, but additional data are needed to prove that conclusively. Therefore, this variant has been classified as Likely Pathogenic.

Blueprint Genetics
Classification: Uncertain significance. Last evaluated: 2019-01-23. Review status: criteria provided, single submitter. Criteria: ACMG Guidelines, 2015. Collection method: clinical testing. Allele origin: germline.

Literature cited by the submitters: PubMed 16199547 (cited by Labcorp Genetics (formerly Invitae), Labcorp); PubMed 26424569 (cited by Labcorp Genetics (formerly Invitae), Labcorp); PubMed 33193576 (cited by Labcorp Genetics (formerly Invitae), Labcorp).